The following is an entry in ClinVar:

NM_000094.4(COL7A1):c.4980+1G>C

Gene: COL7A1 (collagen type VII alpha 1 chain; minus strand). Cytogenetic location: 3p21.31.
Variant type: single nucleotide variant.
Coding change: c.4980+1G>C on transcript NM_000094.4 (MANE Select); the canonical splice donor site of the intron after coding-DNA position 4980, G replaced by C.
Molecular consequence: splice donor variant.
Genome position (GRCh38, 1-based): chr3:48,580,881, C>G on the plus strand (G>C on the coding strand, the complement: COL7A1 is on the minus strand). VCF-style: chr3-48580881-C-G. GRCh37 (hg19) VCF-style: chr3-48618314-C-G.
Other names: 5088+1G>C.
Identifiers: ClinVar variation 180695 (VCV000180695.10), dbSNP rs730880285, ClinGen allele CA273743.

ClinVar aggregate classification (germline): Pathogenic. Review status: criteria provided, single submitter (1 of 4 stars). 2 submissions from 2 submitters: Pathogenic (1). 1 of the submissions does not count toward it. Last evaluated 2021-06-14.

Conditions:
Recessive dystrophic epidermolysis bullosa (RDEB). Also called: severe generalized recessive dystrophic epidermolysis bullosa; Recessive DEB (RDEB); EPIDERMOLYSIS BULLOSA DYSTROPHICA, GENERALIZED SEVERE, AUTOSOMAL RECESSIVE; DYSTROPHIC EPIDERMOLYSIS BULLOSA, AUTOSOMAL RECESSIVE; EPIDERMOLYSIS BULLOSA DYSTROPHICA, HALLOPEAU-SIEMENS TYPE; Hallopeau-Siemens Disease. Identifiers: Orphanet 79408, Orphanet 79409, MedGen C0079474, MONDO:0009179, OMIM 226600.

Submissions (2):

Labcorp Genetics (formerly Invitae), Labcorp
Classification: Pathogenic. Last evaluated: 2021-06-14. Review status: criteria provided, single submitter. Criteria: Invitae Variant Classification Sherloc (09022015). Collection method: clinical testing. Allele origin: germline.
Comment: For these reasons, this variant has been classified as Pathogenic. Algorithms developed to predict the effect of sequence changes on RNA splicing suggest that this variant may disrupt the consensus splice site, but this prediction has not been confirmed by published transcriptional studies. Disruption of this splice site has been observed in individual(s) with autosomal recessive dystrophic epidermolysis bullosa (PMID: 10504458, 28830826). ClinVar contains an entry for this variant (Variation ID: 180695) This variant is not present in population databases (ExAC no frequency). This sequence change affects a donor splice site in intron 53 of the COL7A1 gene. Variants that disrupt the donor or acceptor splice site typically lead to a loss of protein function (PMID: 16199547), and loss-of-function variants in COL7A1 are known to be disease-causing for autosomal recessive dystrophic epidermolysis bullosa (PMID: 16971478). However, certain variants affecting donor or acceptor splice sites in the triple helical domain of COL7A1 are expected to result in in-frame exon skipping and have been reported to cause autosomal dominant dystrophic epidermolysis bullosa (PMID: 31670143).

Strand Center for Genomics and Personalized Medicine, Strand Life Sciences Pvt Ltd
Classification: Likely pathogenic for Recessive dystrophic epidermolysis bullosa. Last evaluated: 2014-06-05. Review status: no assertion criteria provided. Collection method: clinical testing. Allele origin: germline. Affected: yes and no. Observed: 3 variant alleles, 2 heterozygotes, 1 compound heterozygote. Not counted in ClinVar's aggregate classification.
Comment: This change results in the substitution and consecutive loss of an essential splice donor site and complete loss of the NC-2 domain. The variant overlaps with a known splice site variant c.4980+1G>T that was found to the associated with dystrophic epidermolysis bullosa and seen in compound heterozygosity in a patient with Hallopeau-Siemens recesive dystrophic epidermolysis bullosa (PMID:10504458).

Literature cited by the submitters: PubMed 10504458 (cited by Labcorp Genetics (formerly Invitae), Labcorp); PubMed 28830826 (cited by Labcorp Genetics (formerly Invitae), Labcorp); PubMed 16199547 (cited by Labcorp Genetics (formerly Invitae), Labcorp); PubMed 16971478 (cited by Labcorp Genetics (formerly Invitae), Labcorp); PubMed 31670143 (cited by Labcorp Genetics (formerly Invitae), Labcorp).